The following is an entry in ClinVar:

NM_170606.3(KMT2C):c.4638G>T (p.Gln1546His)

Gene: KMT2C (lysine methyltransferase 2C; minus strand). Cytogenetic location: 7q36.1.
Variant type: single nucleotide variant.
Coding change: c.4638G>T on transcript NM_170606.3 (MANE Select); coding-DNA position 4638, G replaced by T.
Protein change: p.Gln1546His; replaces glutamine 1546 with histidine.
Molecular consequence: missense variant.
Genome position (GRCh38, 1-based): chr7:152,194,031, C>A on the plus strand (G>T on the coding strand, the complement: KMT2C is on the minus strand). VCF-style: chr7-152194031-C-A. GRCh37 (hg19) VCF-style: chr7-151891116-C-A.
Other names: short protein forms Q1546H.
Identifiers: ClinVar variation 2658224 (VCV002658224.24), dbSNP rs2129128802, ClinGen allele CA370104914.
Genomic context (GRCh38, chr7:152,194,031, plus strand): 5'-GTGTGAATATAATGTAGAATTATAAAGTCATAACATACCCTGATTGTGTATTGGCAACAG[C>A]TGTGTTGGTGGGGGAGGCTGTGGCAATGGAGTTGGCTGAGTGTTCGCAGGACTAAGTACA-3'
Protein context (NP_733751.2, residues 1536-1556): TPLPQPPPPT[Gln1546His]LLPIHNQDAF

ClinVar aggregate classification (germline): Uncertain significance (1 of 4 stars; one submission).

Submission:

CeGaT Center for Human Genetics Tuebingen
Classification: Uncertain significance. Last evaluated: 2023-06-01. Review status: criteria provided, single submitter. Criteria: CeGaT Center For Human Genetics Tuebingen Variant Classification Criteria Version 2. Collection method: clinical testing. Allele origin: germline. Affected: yes. Observed: 1 variant allele.
Comment: KMT2C: PM2, BP4